The following is an entry in ClinVar:

NM_015599.3(PGM3):c.1204G>A (p.Ala402Thr)

Gene: PGM3 (phosphoglucomutase 3; minus strand). Cytogenetic location: 6q14.1.
Variant type: single nucleotide variant.
Coding change: c.1204G>A on transcript NM_015599.3 (MANE Select); coding-DNA position 1204, G replaced by A.
Protein change: p.Ala402Thr; replaces alanine 402 with threonine.
Molecular consequence: missense variant. On other transcripts: non-coding transcript variant (1).
Genome position (GRCh38, 1-based): chr6:83,174,412, C>T on the plus strand (G>A on the coding strand, the complement: PGM3 is on the minus strand). VCF-style: chr6-83174412-C-T. GRCh37 (hg19) VCF-style: chr6-83884131-C-T.
Other names: c.1288G>A, p.Ala430Thr (NM_001199917.2, NM_001367287.1); c.961G>A, p.Ala321Thr (NM_001199918.2); c.1204G>A, p.Ala402Thr (NM_001199919.2, NM_001367286.1); short protein forms A321T, A430T, A402T.
Identifiers: ClinVar variation 970682 (VCV000970682.6), dbSNP rs139511953, ClinGen allele CA3906596.

ClinVar aggregate classification (germline): Uncertain significance. Review status: criteria provided, multiple submitters, no conflicts (2 of 4 stars). 2 submissions from 2 submitters: Uncertain significance (2). Last evaluated 2025-05-20.

Conditions:
Inborn genetic diseases. Identifiers: MedGen C0950123, MeSH D030342.
Immunodeficiency 23 (IMD23). Also called: IMMUNODEFICIENCY WITH HYPER IgE AND COGNITIVE IMPAIRMENT; IMMUNODEFICIENCY-VASCULITIS-MYOCLONUS SYNDROME. Identifiers: Orphanet 443811, MedGen C4014371, MONDO:0014353, OMIM 615816.

Allele frequency attached by ClinVar (database versions not stated): 1000 Genomes Project 0.00040; 1000 Genomes Project 30x 0.00047; ExAC 0.00007; gnomAD 0.00013 and 0.00012; ESP Exome Variant Server 0.00023; gnomAD exomes 0.00005; TOPMed 0.00017.
gnomAD v4.1: 57 of 1,607,212 alleles (0.0035%); highest among the groups gnomAD compares: African/African-American, 0.07%; no homozygotes.

Submissions (2):

Ambry Genetics
Classification: Uncertain significance for Inborn genetic diseases. Last evaluated: 2025-05-20. Review status: criteria provided, single submitter. Criteria: Ambry Variant Classification Scheme 2023. Collection method: clinical testing. Allele origin: germline.

Labcorp Genetics (formerly Invitae), Labcorp
Classification: Uncertain significance for Immunodeficiency 23. Last evaluated: 2022-01-17. Review status: criteria provided, single submitter. Criteria: Invitae Variant Classification Sherloc (09022015). Collection method: clinical testing. Allele origin: germline.
Comment: This sequence change replaces alanine, which is neutral and non-polar, with threonine, which is neutral and polar, at codon 430 of the PGM3 protein (p.Ala430Thr). This variant is present in population databases (rs139511953, gnomAD 0.06%). This variant has not been reported in the literature in individuals affected with PGM3-related conditions. ClinVar contains an entry for this variant (Variation ID: 970682). Algorithms developed to predict the effect of missense changes on protein structure and function are either unavailable or do not agree on the potential impact of this missense change (SIFT: "Tolerated"; PolyPhen-2: "Probably Damaging"; Align-GVGD: "Class C0"). In summary, the available evidence is currently insufficient to determine the role of this variant in disease. Therefore, it has been classified as a Variant of Uncertain Significance.